The following is an entry in ClinVar:

ClinVar aggregate classification (germline): Uncertain significance (1 of 4 stars; one submission).

Submission:

Labcorp Genetics (formerly Invitae), Labcorp
Classification: Uncertain significance. Last evaluated: 2025-03-19. Review status: criteria provided, single submitter. Criteria: Invitae Variant Classification Sherloc (09022015). Collection method: clinical testing. Allele origin: germline.
Comment: This sequence change replaces serine, which is neutral and polar, with proline, which is neutral and non-polar, at codon 250 of the CTNNB1 protein (p.Ser250Pro). This variant is not present in population databases (gnomAD no frequency). This variant has not been reported in the literature in individuals affected with CTNNB1-related conditions. Invitae Evidence Modeling of protein sequence and biophysical properties (such as structural, functional, and spatial information, amino acid conservation, physicochemical variation, residue mobility, and thermodynamic stability) indicates that this missense variant is not expected to disrupt CTNNB1 protein function with a negative predictive value of 80%. In summary, the available evidence is currently insufficient to determine the role of this variant in disease. Therefore, it has been classified as a Variant of Uncertain Significance.

NM_001904.4(CTNNB1):c.748T>C (p.Ser250Pro)

Gene: CTNNB1 (catenin beta 1; plus strand). Cytogenetic location: 3p22.1.
Variant type: single nucleotide variant.
Coding change: c.748T>C on transcript NM_001904.4 (MANE Select); coding-DNA position 748, T replaced by C.
Protein change: p.Ser250Pro; replaces serine 250 with proline.
Molecular consequence: missense variant.
Genome position (GRCh38, 1-based): chr3:41,225,673, T>C. VCF-style: chr3-41225673-T-C. GRCh37 (hg19) VCF-style: chr3-41267164-T-C.
Other names: c.748T>C, p.Ser250Pro (NM_001098209.2, NM_001098210.2, NM_001438871.1 and 4 more transcripts); c.727T>C, p.Ser243Pro (NM_001330729.2); short protein forms S243P, S250P.
Identifiers: ClinVar variation 4809255 (VCV004809255.1).